The following is an entry in ClinVar:

ClinVar aggregate classification (germline): Uncertain significance. Review status: criteria provided, multiple submitters, no conflicts (2 of 4 stars). 3 submissions from 3 submitters: Uncertain significance (3). Last evaluated 2025-05-20.

Conditions:
Hereditary cancer-predisposing syndrome. Also called: Hereditary neoplastic syndrome; Hereditary Cancer Syndrome; Neoplastic Syndromes, Hereditary; Tumor predisposition. Identifiers: Orphanet 140162, MedGen C0027672, MeSH D009386, MONDO:0015356.
Fanconi anemia complementation group J. Also called: BRIP1-Related Fanconi Anemia. Identifiers: Orphanet 84, MedGen C1836860, MONDO:0012187, OMIM 609054.
Familial cancer of breast. Also called: hereditary breast carcinoma; Hereditary breast cancer; BREAST CANCER, FAMILIAL. Identifiers: Orphanet 227535, MedGen C0346153, MONDO:0016419, OMIM 114480. Disease mechanism: loss of function.

Allele frequency attached by ClinVar (database versions not stated): gnomAD exomes below 0.00001.
gnomAD v4.1: 1 of 1,612,510 alleles (0.000062%); highest among the groups gnomAD compares: Non-Finnish European, 0.000085%; no homozygotes.

Submissions (3):

Ambry Genetics
Classification: Uncertain significance for Hereditary cancer-predisposing syndrome. Last evaluated: 2025-05-20. Review status: criteria provided, single submitter. Criteria: Ambry Variant Classification Scheme 2023. Collection method: clinical testing. Allele origin: germline.
Comment: The p.G628V variant (also known as c.1883G>T), located in coding exon 12 of the BRIP1 gene, results from a G to T substitution at nucleotide position 1883. The glycine at codon 628 is replaced by valine, an amino acid with dissimilar properties. This amino acid position is highly conserved in available vertebrate species. In addition, this alteration is predicted to be deleterious by in silico analysis. Since supporting evidence is limited at this time, the clinical significance of this alteration remains unclear.

Labcorp Genetics (formerly Invitae), Labcorp
Classification: Uncertain significance for Familial cancer of breast; Fanconi anemia complementation group J. Last evaluated: 2022-08-27. Review status: criteria provided, single submitter. Criteria: Invitae Variant Classification Sherloc (09022015). Collection method: clinical testing. Allele origin: germline.
Comment: This sequence change replaces glycine, which is neutral and non-polar, with valine, which is neutral and non-polar, at codon 628 of the BRIP1 protein (p.Gly628Val). This variant is not present in population databases (gnomAD no frequency). This variant has not been reported in the literature in individuals affected with BRIP1-related conditions. ClinVar contains an entry for this variant (Variation ID: 421095). Algorithms developed to predict the effect of missense changes on protein structure and function are either unavailable or do not agree on the potential impact of this missense change (SIFT: "Tolerated"; PolyPhen-2: "Probably Damaging"; Align-GVGD: "Class C0"). In summary, the available evidence is currently insufficient to determine the role of this variant in disease. Therefore, it has been classified as a Variant of Uncertain Significance.

GeneDx
Classification: Uncertain significance. Last evaluated: 2016-10-31. Review status: criteria provided, single submitter. Criteria: GeneDx Variant Classification (06012015). Collection method: clinical testing. Allele origin: germline. Affected: yes.
Comment: This variant is denoted BRIP1 c.1883G>T at the cDNA level, p.Gly628Val (G628V) at the protein level, and results in the change of a Glycine to a Valine (GGT>GTT). This variant has not, to our knowledge, been published in the literature as pathogenic or benign. BRIP1 Gly628Val was not observed in approximately 6,500 individuals of European and African American ancestry in the NHLBI Exome Sequencing Project, suggesting it is not a common benign variant in these populations. Since Glycine and Valine share similar properties, this is considered a conservative amino acid substitution. BRIP1 Gly628Val occurs at a position that is conserved across species and is located in the helicase domain (Cantor 2011). In silico analyses predict that this variant is probably damaging to protein structure and function. Based on currently available evidence, it is unclear whether BRIP1 Gly628Val is a pathogenic or benign variant. We consider it to be a variant of uncertain significance.

NM_032043.3(BRIP1):c.1883G>T (p.Gly628Val)

Gene: BRIP1 (BRCA1 interacting DNA helicase 1; minus strand). Cytogenetic location: 17q23.2.
Variant type: single nucleotide variant.
Coding change: c.1883G>T on transcript NM_032043.3 (MANE Select); coding-DNA position 1883, G replaced by T.
Protein change: p.Gly628Val; replaces glycine 628 with valine.
Molecular consequence: missense variant.
Genome position (GRCh38, 1-based): chr17:61,780,313, C>A on the plus strand (G>T on the coding strand, the complement: BRIP1 is on the minus strand). VCF-style: chr17-61780313-C-A. GRCh37 (hg19) VCF-style: chr17-59857674-C-A.
Other names: short protein forms G628V.
Identifiers: ClinVar variation 421095 (VCV000421095.12), dbSNP rs1064794907, ClinGen allele CA16620526.